The following is an entry in ClinVar:

NM_004100.5(EYA4):c.1839+1G>A

Genes: EYA4 (EYA transcriptional coactivator and phosphatase 4; plus strand), TARID (TCF21 antisense RNA inducing promoter demethylation; minus strand). Cytogenetic location: 6q23.2.
Variant type: single nucleotide variant.
Coding change: c.1839+1G>A on transcript NM_004100.5 (MANE Select); the canonical splice donor site of the intron after coding-DNA position 1839, G replaced by A.
Molecular consequence: splice donor variant. On other transcripts: intron variant (3).
Genome position (GRCh38, 1-based): chr6:133,525,255, G>A. VCF-style: chr6-133525255-G-A. GRCh37 (hg19) VCF-style: chr6-133846393-G-A.
Other names: c.1857+1G>A (NM_001301013.2); c.1839+140G>A (NM_172105.4); c.1770+140G>A (NM_001370458.1); c.1770+1G>A (NM_172103.4); c.1695+1G>A (NM_001370459.1); c.1677+140G>A (NM_001301012.2).
Identifiers: ClinVar variation 3223695 (VCV003223695.1), dbSNP rs768710868, ClinGen allele CA4008491.

ClinVar aggregate classification (germline): Likely pathogenic (1 of 4 stars; one submission).

Conditions:
Cardiovascular phenotype. Identifiers: MedGen CN230736.

Allele frequency attached by ClinVar (database versions not stated): gnomAD exomes below 0.00001; ExAC 0.00001.

Submission:

Ambry Genetics
Classification: Likely pathogenic for Cardiovascular phenotype. Last evaluated: 2024-01-05. Review status: criteria provided, single submitter. Criteria: Ambry Variant Classification Scheme 2023. Collection method: clinical testing. Allele origin: germline.
Comment: The c.1839+1G>A intronic variant results from a G to A substitution one nucleotide after coding exon 18 of the EYA4 gene. This variant is considered to be rare based on population cohorts in the Genome Aggregation Database (gnomAD). This nucleotide position is highly conserved in available vertebrate species. In silico splice site analysis predicts that this alteration will weaken the native splice donor site. Alterations that disrupt the canonical splice site are expected to cause aberrant splicing, resulting in an abnormal protein or a transcript that is subject to nonsense-mediated mRNA decay. While loss of function of EYA4 has not been clearly established as a mechanism of disease for cardiomyopathy, loss of function has been established as a mechanism of disease for hearing loss. Based on the supporting evidence, this alteration is likely pathogenic for EYA4-related non-syndromic hearing loss; however, the association of this alteration with EYA4-related cardiomyopathy is unknown.